The following is an entry in ClinVar:

NM_004526.4(MCM2):c.2199G>A (p.Pro733=)

Gene: MCM2 (minichromosome maintenance complex component 2; plus strand). Cytogenetic location: 3q21.3.
Variant type: single nucleotide variant.
Coding change: c.2199G>A on transcript NM_004526.4 (MANE Select); coding-DNA position 2199, G replaced by A.
Protein change: p.Pro733=; no amino-acid change (proline 733 retained).
Molecular consequence: synonymous variant. On other transcripts: non-coding transcript variant (1).
Genome position (GRCh38, 1-based): chr3:127,619,212, G>A. VCF-style: chr3-127619212-G-A. GRCh37 (hg19) VCF-style: chr3-127338055-G-A.
Other names: c.2199G>A (NM_004526.3).
Identifiers: ClinVar variation 4803433 (VCV004803433.2).

ClinVar aggregate classification (germline): Likely benign. Review status: criteria provided, multiple submitters, no conflicts (2 of 4 stars). 2 submissions from 2 submitters: Likely benign (2). Last evaluated 2026-02-20.

Conditions:
MCM2-related disorder. Also called: MCM2-related condition.

gnomAD v4.1: 126 of 1,614,034 alleles (0.0078%); highest among the groups gnomAD compares: East Asian, 0.071%; no homozygotes.

Submissions (2):

PreventionGenetics, part of Exact Sciences
Classification: Likely benign for MCM2-related condition. Last evaluated: 2026-02-20. Review status: criteria provided, single submitter. Criteria: ACMG Guidelines, 2015. Collection method: clinical testing. Allele origin: germline.
Comment: This variant is classified as likely benign based on ACMG/AMP sequence variant interpretation guidelines (Richards et al. 2015 PMID: 25741868, with internal and published modifications).

Labcorp Genetics (formerly Invitae), Labcorp
Classification: Likely benign. Last evaluated: 2026-01-20. Review status: criteria provided, single submitter. Criteria: Invitae Variant Classification Sherloc (09022015). Collection method: clinical testing. Allele origin: germline.